The following is an entry in ClinVar:

ClinVar aggregate classification (germline): Pathogenic (1 of 4 stars; one submission).

Conditions:
Marfan syndrome (MFS). Also called: MARFAN SYNDROME, TYPE I; FBN1-Related Marfan Syndrome; Marfan syndrome type 1; Marfan's syndrome; Marfan syndrome, classic. Identifiers: Orphanet 284963, Orphanet 558, MedGen C0024796, MONDO:0007947, OMIM 154700.
Familial thoracic aortic aneurysm and aortic dissection (TAAD). Also called: Thoracic aortic aneurysms and dissections. Identifiers: Orphanet 91387, MedGen C4707243, MONDO:0019625.

Submission:

Labcorp Genetics (formerly Invitae), Labcorp
Classification: Pathogenic for Marfan syndrome; Familial thoracic aortic aneurysm and aortic dissection. Last evaluated: 2022-08-23. Review status: criteria provided, single submitter. Criteria: Invitae Variant Classification Sherloc (09022015). Collection method: clinical testing. Allele origin: germline.
Comment: For these reasons, this variant has been classified as Pathogenic. This variant affects a cysteine residue in the EGF-like, TGFBP or hybrid motif domains of FBN1. Cysteine residues are believed to be involved in intramolecular disulfide bridges and have been shown to be important for FBN1 protein structure (PMID: 16905551, 19349279). In addition, missense substitutions affecting cysteine residues within these domains are significantly overrepresented among patients with Marfan syndrome (PMID: 16571647, 17701892). This variant has not been reported in the literature in individuals affected with FBN1-related conditions. This variant is a gross deletion of the genomic region encompassing exon(s) 55-57 of the FBN1 gene. This variant would be expected to be in-frame, preserving the integrity of the reading frame.

Literature cited by the submitters: PubMed 16905551; PubMed 19349279; PubMed 16571647; PubMed 17701892.

NC_000015.9:g.(?_48720523)_(48725205_?)del

Gene: FBN1 (fibrillin 1; minus strand). Cytogenetic location: 15q21.1.
Variant type: Deletion.
Identifiers: ClinVar variation 2422449 (VCV002422449.4).